The following is an entry in ClinVar:

NM_182977.3(NNT):c.1136G>A (p.Arg379Gln)

Gene: NNT (nicotinamide nucleotide transhydrogenase; plus strand). Cytogenetic location: 5p12.
Variant type: single nucleotide variant.
Coding change: c.1136G>A on transcript NM_182977.3 (MANE Select); coding-DNA position 1136, G replaced by A.
Protein change: p.Arg379Gln; replaces arginine 379 with glutamine.
Molecular consequence: missense variant.
Genome position (GRCh38, 1-based): chr5:43,644,648, G>A. VCF-style: chr5-43644648-G-A. GRCh37 (hg19) VCF-style: chr5-43644750-G-A.
Other names: c.743G>A, p.Arg248Gln (NM_001331026.2); c.1136G>A, p.Arg379Gln (NM_012343.4); short protein forms R248Q, R379Q.
Identifiers: ClinVar variation 4810403 (VCV004810403.1).
Genomic context (GRCh38, chr5:43,644,648, plus strand): 5'-TGACTATAATTTTGTTCATTTAGGGAATTACTCACATAGGCTACACAGACCTGCCCAGCC[G>A]AATGGCCACTCAGGCCAGCACCCTATATTCCAACAACATCACCAAACTCCTGAAGGCCAT-3'
Protein context (NP_892022.2, residues 369-389): THIGYTDLPS[Arg379Gln]MATQASTLYS

ClinVar aggregate classification (germline): Uncertain significance (1 of 4 stars; one submission).

gnomAD v4.1: 78 of 1,613,886 alleles (0.0048%); highest among the groups gnomAD compares: Admixed American, 0.0067%; no homozygotes.

Submission:

Labcorp Genetics (formerly Invitae), Labcorp
Classification: Uncertain significance. Last evaluated: 2025-09-09. Review status: criteria provided, single submitter. Criteria: Invitae Variant Classification Sherloc (09022015). Collection method: clinical testing. Allele origin: germline.
Comment: This sequence change replaces arginine, which is basic and polar, with glutamine, which is neutral and polar, at codon 379 of the NNT protein (p.Arg379Gln). This variant is present in population databases (rs766059777, gnomAD 0.006%). This variant has not been reported in the literature in individuals affected with NNT-related conditions. An algorithm developed to predict the effect of missense changes on protein structure and function (PolyPhen-2) suggests that this variant is likely to be disruptive. In summary, the available evidence is currently insufficient to determine the role of this variant in disease. Therefore, it has been classified as a Variant of Uncertain Significance.